The following is an entry in ClinVar:

NM_022168.4(IFIH1):c.2089G>A (p.Glu697Lys)

Gene: IFIH1 (interferon induced with helicase C domain 1; minus strand). Cytogenetic location: 2q24.2.
Variant type: single nucleotide variant.
Coding change: c.2089G>A on transcript NM_022168.4 (MANE Select); coding-DNA position 2089, G replaced by A.
Protein change: p.Glu697Lys; replaces glutamic acid 697 with lysine.
Molecular consequence: missense variant.
Genome position (GRCh38, 1-based): chr2:162,276,902, C>T on the plus strand (G>A on the coding strand, the complement: IFIH1 is on the minus strand). VCF-style: chr2-162276902-C-T. GRCh37 (hg19) VCF-style: chr2-163133412-C-T.
Other names: short protein forms E697K.
Identifiers: ClinVar variation 5002344 (VCV005002344.1).

ClinVar aggregate classification (germline): Uncertain significance (1 of 4 stars; one submission).

Conditions:
IFIH1-related disorder. Also called: IFIH1-related condition.

gnomAD v4.1: 6 of 1,611,334 alleles (0.00037%); highest among the groups gnomAD compares: Non-Finnish European, 0.00025%; no homozygotes.

Submission:

PreventionGenetics, part of Exact Sciences
Classification: Uncertain significance for IFIH1-related condition. Last evaluated: 2026-05-18. Review status: criteria provided, single submitter. Criteria: ACMG Guidelines, 2015. Collection method: clinical testing. Allele origin: germline.
Comment: The IFIH1 c.2089G>A variant is predicted to result in the amino acid substitution p.Glu697Lys. To our knowledge, this variant has not been reported in the literature. This variant is reported in 0.00078% of alleles in individuals of European (Non-Finnish) descent in gnomAD. At this time, the clinical significance of this variant is uncertain due to the absence of conclusive functional and genetic evidence.